The following is an entry in ClinVar:

NC_000023.11:g.(?_31773950)_(31774202_?)del

Gene: DMD (dystrophin; minus strand). Cytogenetic location: Xp21.1.
Variant type: Deletion.
Identifiers: ClinVar variation 832608 (VCV000832608.1).

ClinVar aggregate classification (germline): Pathogenic (1 of 4 stars; one submission).

Conditions:
Duchenne muscular dystrophy (DMD). Also called: Duchenne Muscular Dystrophy (DMD); MUSCULAR DYSTROPHY, PSEUDOHYPERTROPHIC PROGRESSIVE, DUCHENNE TYPE. Identifiers: Orphanet 98896, MedGen C0013264, MONDO:0010679, OMIM 310200.

Submission:

Labcorp Genetics (formerly Invitae), Labcorp
Classification: Pathogenic for Duchenne muscular dystrophy. Last evaluated: 2019-11-07. Review status: criteria provided, single submitter. Criteria: Invitae Variant Classification Sherloc (09022015). Collection method: clinical testing. Allele origin: germline.
Comment: This variant is an out-of-frame deletion of the genomic region encompassing exon 51 of the DMD gene. This is expected to create a premature translational stop signal and result in an absent or disrupted protein product. A similar deletion of exon 51 has been reported in multiple individuals affected with Duchenne or Becker muscular dystrophy (PMID: 9007319, 9028449, 18683213, 18752307, 19449031, 25244321, 26911353, 22090376). Loss-of-function variants in DMD are known to be pathogenic (PMID: 16770791, 25007885). For these reasons, this variant has been classified as Pathogenic.

Literature cited by the submitters: PubMed 26911353; PubMed 22090376; PubMed 18752307; PubMed 18683213; PubMed 9007319; PubMed 19449031; PubMed 9028449; PubMed 25244321.